The following is an entry in ClinVar:

ClinVar aggregate classification (germline): Uncertain significance (1 of 4 stars; one submission).

Allele frequency attached by ClinVar (database versions not stated): ExAC 0.00001; gnomAD exomes 0.00001.

Submission:

Laboratory for Molecular Medicine, Mass General Brigham Personalized Medicine
Classification: Uncertain significance. Last evaluated: 2016-04-07. Review status: criteria provided, single submitter. Criteria: LMM Criteria. Collection method: clinical testing. Allele origin: germline. Observed: 1 variant allele.
Comment: The p.Tyr290Cys variant in MYO15A has not been previously reported in individual s with hearing loss. This variant has been identified in 1/16442 South Asian chr omosomes by the Exome Aggregation Consortium (ExAC, rg; dbSNP rs766482387). Although this variant has been seen in the general popul ation, its frequency is not high enough to rule out a pathogenic role. Computati onal prediction tools and conservation analyses do not provide strong support fo r or against an impact to the protein. In summary, the clinical significance of the p.Tyr290Cys variant is uncertain.

NM_016239.4(MYO15A):c.869A>G (p.Tyr290Cys)

Gene: MYO15A (myosin XVA; plus strand). Cytogenetic location: 17p11.2.
Variant type: single nucleotide variant.
Coding change: c.869A>G on transcript NM_016239.4 (MANE Select); coding-DNA position 869, A replaced by G.
Protein change: p.Tyr290Cys; replaces tyrosine 290 with cysteine.
Molecular consequence: missense variant.
Genome position (GRCh38, 1-based): chr17:18,119,669, A>G. VCF-style: chr17-18119669-A-G. GRCh37 (hg19) VCF-style: chr17-18022983-A-G.
Other names: short protein forms Y290C.
Identifiers: ClinVar variation 228970 (VCV000228970.4), dbSNP rs766482387, ClinGen allele CA8422958.